The following is an entry in ClinVar:

NM_001291415.2(KDM6A):c.1475G>T (p.Ser492Ile)

Gene: KDM6A (lysine demethylase 6A; plus strand). Cytogenetic location: Xp11.3.
Variant type: single nucleotide variant.
Coding change: c.1475G>T on transcript NM_001291415.2 (MANE Select); coding-DNA position 1475, G replaced by T.
Protein change: p.Ser492Ile; replaces serine 492 with isoleucine.
Molecular consequence: missense variant. On other transcripts: non-coding transcript variant (1), intron variant (4).
Genome position (GRCh38, 1-based): chrX:45,060,754, G>T. VCF-style: chrX-45060754-G-T. GRCh37 (hg19) VCF-style: chrX-44919999-G-T.
Other names: c.1340G>T, p.Ser447Ile (NM_001291416.2); c.1330-570G>T (NM_021140.4); c.1195-570G>T (NM_001291417.2, NM_001291418.2); c.442-570G>T (NM_001291421.2); short protein forms S447I, S492I.
Identifiers: ClinVar variation 1310715 (VCV001310715.4), dbSNP rs2147969832, ClinGen allele CA412784489.

ClinVar aggregate classification (germline): Uncertain significance. Review status: criteria provided, multiple submitters, no conflicts (2 of 4 stars). 3 submissions from 3 submitters: Uncertain significance (3). Last evaluated 2022-03-17.

Conditions:
Kabuki syndrome 1 (KABUK1). Also called: KMT2D-Related Kabuki Syndrome. Identifiers: Orphanet 2322, MedGen CN030661, MONDO:0007843, OMIM 147920.
Kabuki syndrome 2 (KABUK2). Also called: KDM6A-Related Kabuki Syndrome. Identifiers: Orphanet 2322, MedGen C3275495, MONDO:0010465, OMIM 300867.

gnomAD v4.1: 2 of 1,056,819 alleles (0.00019%); highest among the groups gnomAD compares: Non-Finnish European, 0.00025%; no homozygotes.

Submissions (3):

Fulgent Genetics
Classification: Uncertain significance for Kabuki syndrome 1; Kabuki syndrome 2. Last evaluated: 2022-03-17. Review status: criteria provided, single submitter. Criteria: ACMG Guidelines, 2015. Collection method: clinical testing. Allele origin: unknown.

Department of Pathology and Laboratory Medicine, Sinai Health System
Classification: Uncertain significance for Kabuki syndrome 1; Kabuki syndrome 2. Last evaluated: 2021-07-30. Review status: criteria provided, single submitter. Criteria: ACMG Guidelines, 2015. Collection method: research. Allele origin: germline.

GeneDx
Classification: Uncertain significance. Last evaluated: 2020-01-02. Review status: criteria provided, single submitter. Criteria: GeneDx Variant Classification Process June 2021. Collection method: clinical testing. Allele origin: germline. Affected: yes.
Comment: Not observed in large population cohorts (Lek et al., 2016); In silico analysis, which includes splice predictors and evolutionary conservation, supports that this variant does not alter protein structure/function; Has not been previously published as pathogenic or benign to our knowledge